The following is an entry in ClinVar:

ClinVar aggregate classification (germline): Uncertain significance. Review status: criteria provided, single submitter (1 of 4 stars). 2 submissions from 2 submitters: Uncertain significance (1). 1 of the submissions does not count toward it. Last evaluated 2021-09-17.

Conditions:
LAMA2-related muscular dystrophy (LAMA2-RD). Also called: Laminin alpha 2-related dystrophy. Identifiers: MedGen C5679788, MONDO:0100228.
Merosin deficient congenital muscular dystrophy (MDC1A). Also called: Congenital Muscular Dystrophy Type 1A (MDC1A); Congenital merosin-deficient muscular dystrophy 1A. Identifiers: Orphanet 258, MedGen C1263858, MONDO:0011925, OMIM 607855.

Submissions (2):

Labcorp Genetics (formerly Invitae), Labcorp
Classification: Uncertain significance for LAMA2-related muscular dystrophy. Last evaluated: 2021-09-17. Review status: criteria provided, single submitter. Criteria: Invitae Variant Classification Sherloc (09022015). Collection method: clinical testing. Allele origin: germline.
Comment: This variant, c.4746_4748del, results in the deletion of 1 amino acid(s) of the LAMA2 protein (p.Leu1583del), but otherwise preserves the integrity of the reading frame. This variant is not present in population databases (ExAC no frequency). This variant has not been reported in the literature in individuals affected with LAMA2-related conditions. ClinVar contains an entry for this variant (Variation ID: 551817). Experimental studies and prediction algorithms are not available or were not evaluated, and the functional significance of this variant is currently unknown. In summary, the available evidence is currently insufficient to determine the role of this variant in disease. Therefore, it has been classified as a Variant of Uncertain Significance.

Counsyl
Classification: Uncertain significance for Merosin deficient congenital muscular dystrophy. Last evaluated: 2017-05-08. Review status: no assertion criteria provided. Collection method: clinical testing. Allele origin: unknown. Not counted in ClinVar's aggregate classification.

NM_000426.4(LAMA2):c.4743TCT[1] (p.Leu1583del)

Gene: LAMA2 (laminin subunit alpha 2; plus strand). Cytogenetic location: 6q22.33.
Variant type: Microsatellite.
Coding change: c.4743TCT[1] on transcript NM_000426.4 (MANE Select); one copy of the 3-base unit TCT starting at c.4743; the reference has two copies in a row; one copy, 3 bases deleted.
Protein change: p.Leu1583del; deletes leucine 1583.
Molecular consequence: inframe deletion.
Genome position (GRCh38, 1-based): chr6:129,366,247-129,366,249, TCT deleted; deleting any 3 consecutive bases within chr6:129,366,242-129,366,249 gives the same sequence; the position shown is the placement nearest the transcript's 3' end. VCF-style (leftmost placement, unchanged base first): chr6-129366241-CCTT-C. GRCh37 (hg19) VCF-style: chr6-129687386-CCTT-C.
Other names: c.4743TCT[1], p.Leu1583del (NM_001079823.2); c.4746_4748delTCT (NM_000426.3); short protein forms L1583del.
Identifiers: ClinVar variation 551817 (VCV000551817.7), dbSNP rs1554281282, ClinGen allele CA570049062.